The following is an entry in ClinVar:

ClinVar aggregate classification (germline): Uncertain significance (1 of 4 stars; one submission).

Submission:

Ambry Genetics
Classification: Uncertain significance. Last evaluated: 2025-03-18. Review status: criteria provided, single submitter. Criteria: Ambry Variant Classification Scheme 2023. Collection method: clinical testing. Allele origin: germline.
Comment: The p.G658V variant (also known as c.1973G>T), located in coding exon 8 of the RNF43 gene, results from a G to T substitution at nucleotide position 1973. The glycine at codon 658 is replaced by valine, an amino acid with dissimilar properties. This amino acid position is conserved. In addition, this alteration is predicted to be tolerated by in silico analysis. Based on the available evidence, the clinical significance of this variant remains unclear.

NM_017763.6(RNF43):c.1973G>T (p.Gly658Val)

Gene: RNF43 (ring finger protein 43; minus strand). Cytogenetic location: 17q22.
Variant type: single nucleotide variant.
Coding change: c.1973G>T on transcript NM_017763.6 (MANE Select); coding-DNA position 1973, G replaced by T.
Protein change: p.Gly658Val; replaces glycine 658 with valine.
Molecular consequence: missense variant.
Genome position (GRCh38, 1-based): chr17:58,357,803, C>A on the plus strand (G>T on the coding strand, the complement: RNF43 is on the minus strand). VCF-style: chr17-58357803-C-A. GRCh37 (hg19) VCF-style: chr17-56435164-C-A.
Other names: c.1973G>T, p.Gly658Val (NM_001305544.3); c.1592G>T, p.Gly531Val (NM_001305545.2); short protein forms G531V, G658V.
Identifiers: ClinVar variation 3946821 (VCV003946821.1).